The following is an entry in ClinVar:

ClinVar aggregate classification (germline): Uncertain significance (1 of 4 stars; one submission).

Conditions:
ARL13B-related disorder. Also called: ARL13B-related condition.

Submission:

PreventionGenetics, part of Exact Sciences
Classification: Uncertain significance for ARL13B-related condition. Last evaluated: 2025-02-21. Review status: criteria provided, single submitter. Criteria: ACMG Guidelines, 2015. Collection method: clinical testing. Allele origin: germline.
Comment: The ARL13B c.1109A>G variant is predicted to result in the amino acid substitution p.Glu370Gly. To our knowledge, this variant has not been reported in the literature or in a large population database (gnomAD), indicating this variant is rare. At this time, the clinical significance of this variant is uncertain due to the absence of conclusive functional and genetic evidence.

NM_001174150.2(ARL13B):c.1109A>G (p.Glu370Gly)

Gene: ARL13B (ARF like GTPase 13B; plus strand). Cytogenetic location: 3q11.2.
Variant type: single nucleotide variant.
Coding change: c.1109A>G on transcript NM_001174150.2 (MANE Select); coding-DNA position 1109, A replaced by G.
Protein change: p.Glu370Gly; replaces glutamic acid 370 with glycine.
Molecular consequence: missense variant. On other transcripts: non-coding transcript variant (2).
Genome position (GRCh38, 1-based): chr3:94,049,490, A>G. VCF-style: chr3-94049490-A-G. GRCh37 (hg19) VCF-style: chr3-93768334-A-G.
Other names: c.800A>G, p.Glu267Gly (NM_001174151.2); c.1064A>G, p.Glu355Gly (NM_001321328.2); c.1109A>G, p.Glu370Gly (NM_001410782.1, NM_182896.3); c.788A>G, p.Glu263Gly (NM_001437443.1, NM_144996.4); short protein forms E267G, E355G, E263G, E370G.
Identifiers: ClinVar variation 5000590 (VCV005000590.1).